The following is an entry in ClinVar:

NM_001172509.2(SATB2):c.-59-12C>G

Gene: SATB2 (SATB homeobox 2; minus strand). Cytogenetic location: 2q33.1.
Variant type: single nucleotide variant.
Coding change: c.-59-12C>G on transcript NM_001172509.2 (MANE Select); 12 bases into the intron before 59 bases upstream of the start codon, C replaced by G.
Molecular consequence: intron variant.
Genome position (GRCh38, 1-based): chr2:199,456,108, G>C on the plus strand (C>G on the coding strand, the complement: SATB2 is on the minus strand). VCF-style: chr2-199456108-G-C. GRCh37 (hg19) VCF-style: chr2-200320831-G-C.
Other names: c.-59-12C>G (NM_001172517.1, NM_015265.4).
Identifiers: ClinVar variation 3340869 (VCV003340869.1).

ClinVar aggregate classification (germline): Uncertain significance (1 of 4 stars; one submission).

Submission:

GeneDx
Classification: Uncertain significance. Last evaluated: 2023-09-25. Review status: criteria provided, single submitter. Criteria: GeneDx Variant Classification Process June 2021. Collection method: clinical testing. Allele origin: germline. Affected: yes.
Comment: In silico analysis supports a deleterious effect on splicing; Has not been previously published as pathogenic or benign to our knowledge